The following is an entry in ClinVar:

NM_001035.3(RYR2):c.14599A>G (p.Ile4867Val)

Gene: RYR2 (ryanodine receptor 2; plus strand). Cytogenetic location: 1q43.
Variant type: single nucleotide variant.
Coding change: c.14599A>G on transcript NM_001035.3 (MANE Select); coding-DNA position 14599, A replaced by G.
Protein change: p.Ile4867Val; replaces isoleucine 4867 with valine.
Molecular consequence: missense variant.
Genome position (GRCh38, 1-based): chr1:237,828,389, A>G. VCF-style: chr1-237828389-A-G. GRCh37 (hg19) VCF-style: chr1-237991689-A-G.
Other names: short protein forms I4867V.
Identifiers: ClinVar variation 1434744 (VCV001434744.7), dbSNP rs2102926200, ClinGen allele CA345429246.

ClinVar aggregate classification (germline): Uncertain significance (1 of 4 stars; one submission).

Conditions:
Catecholaminergic polymorphic ventricular tachycardia 1. Also called: VENTRICULAR TACHYCARDIA, CATECHOLAMINERGIC POLYMORPHIC, 1, WITH OR WITHOUT ATRIAL DYSFUNCTION AND/OR DILATED CARDIOMYOPATHY; RYR2-Related Catecholaminergic Polymorphic Ventricular Tachycardia; VENTRICULAR TACHYCARDIA, STRESS-INDUCED POLYMORPHIC 1. Identifiers: Orphanet 3286, MedGen C1631597, MONDO:0011484, OMIM 604772.

Submission:

Labcorp Genetics (formerly Invitae), Labcorp
Classification: Uncertain significance for Catecholaminergic polymorphic ventricular tachycardia 1. Last evaluated: 2021-09-25. Review status: criteria provided, single submitter. Criteria: Invitae Variant Classification Sherloc (09022015). Collection method: clinical testing. Allele origin: germline.
Comment: This sequence change replaces isoleucine with valine at codon 4867 of the RYR2 protein (p.Ile4867Val). The isoleucine residue is highly conserved and there is a small physicochemical difference between isoleucine and valine. This variant is not present in population databases (ExAC no frequency). This missense change has been observed in individual(s) with catecholaminergic polymorphic ventricular tachycardia (PMID: 23973953). Advanced modeling of protein sequence and biophysical properties (such as structural, functional, and spatial information, amino acid conservation, physicochemical variation, residue mobility, and thermodynamic stability) performed at Invitae indicates that this missense variant is expected to disrupt RYR2 protein function. This variant disrupts the p.Ile4867 amino acid residue in RYR2. Other variant(s) that disrupt this residue have been observed in individuals with RYR2-related conditions (PMID: 12093772), which suggests that this may be a clinically significant amino acid residue. In summary, the available evidence is currently insufficient to determine the role of this variant in disease. Therefore, it has been classified as a Variant of Uncertain Significance.

Literature cited by the submitters: PubMed 23973953; PubMed 12093772.